The following is an entry in ClinVar:

ClinVar aggregate classification (germline): Likely benign. Review status: criteria provided, multiple submitters, no conflicts (2 of 4 stars). 2 submissions from 2 submitters: Likely benign (2). Last evaluated 2025-11-01.

Allele frequency attached by ClinVar (database versions not stated): ESP Exome Variant Server 0.00023; ExAC 0.00002; TOPMed 0.00002; gnomAD 0.00003; gnomAD exomes 0.00003.
gnomAD v4.1: 43 of 1,613,900 alleles (0.0027%); highest among the groups gnomAD compares: Middle Eastern, 0.016%; no homozygotes.

Submissions (2):

CeGaT Center for Human Genetics Tuebingen
Classification: Likely benign. Last evaluated: 2025-11-01. Review status: criteria provided, single submitter. Criteria: CeGaT Center For Human Genetics Tuebingen Variant Classification Criteria Version 2. Collection method: clinical testing. Allele origin: germline. Affected: yes. Observed: 1 variant allele.
Comment: INPP5K: BP4, BP7

Labcorp Genetics (formerly Invitae), Labcorp
Classification: Likely benign. Last evaluated: 2018-07-05. Review status: criteria provided, single submitter. Criteria: Invitae Variant Classification Sherloc (09022015). Collection method: clinical testing. Allele origin: germline.

NM_016532.4(INPP5K):c.864G>A (p.Pro288=)

Gene: INPP5K (inositol polyphosphate-5-phosphatase K; minus strand). Cytogenetic location: 17p13.3.
Variant type: single nucleotide variant.
Coding change: c.864G>A on transcript NM_016532.4 (MANE Select); coding-DNA position 864, G replaced by A.
Protein change: p.Pro288=; no amino-acid change (proline 288 retained).
Molecular consequence: synonymous variant.
Genome position (GRCh38, 1-based): chr17:1,498,035, C>T on the plus strand (G>A on the coding strand, the complement: INPP5K is on the minus strand). VCF-style: chr17-1498035-C-T. GRCh37 (hg19) VCF-style: chr17-1401329-C-T.
Other names: c.636G>A, p.Pro212= (NM_001135642.2, NM_130766.3).
Identifiers: ClinVar variation 755760 (VCV000755760.9), dbSNP rs138432703, ClinGen allele CA8268446.